The following is an entry in ClinVar:

NM_001365536.1(SCN9A):c.1135A>G (p.Met379Val)

Genes: SCN1A-AS1 (SCN1A and SCN9A antisense RNA 1; plus strand), SCN9A (sodium voltage-gated channel alpha subunit 9; minus strand). Cytogenetic location: 2q24.3.
Variant type: single nucleotide variant.
Coding change: c.1135A>G on transcript NM_001365536.1 (MANE Select); coding-DNA position 1135, A replaced by G.
Protein change: p.Met379Val; replaces methionine 379 with valine.
Molecular consequence: missense variant.
Genome position (GRCh38, 1-based): chr2:166,288,616, T>C on the plus strand (A>G on the coding strand, the complement: SCN9A is on the minus strand). VCF-style: chr2-166288616-T-C. GRCh37 (hg19) VCF-style: chr2-167145126-T-C.
Other names: c.1135A>G, p.Met379Val (NM_002977.4); short protein forms M379V.
Identifiers: ClinVar variation 538469 (VCV000538469.17), dbSNP rs544004654, ClinGen allele CA1944578.

ClinVar aggregate classification (germline): Conflicting classifications of pathogenicity. Review status: criteria provided, conflicting classifications (1 of 4 stars). 5 submissions from 5 submitters: Uncertain significance (4); Likely benign (1). Last evaluated 2024-02-17.

Conditions:
Neuropathy, hereditary sensory and autonomic, type 2A (HSAN2A). Also called: ACROOSTEOLYSIS, GIACCAI TYPE; ACROOSTEOLYSIS, NEUROGENIC; MORVAN DISEASE; NEUROPATHY, CONGENITAL SENSORY; NEUROPATHY, HEREDITARY SENSORY RADICULAR, AUTOSOMAL RECESSIVE; NEUROPATHY, HEREDITARY SENSORY, TYPE IIA. Identifiers: Orphanet 970, MedGen C2752089, MONDO:0024309, OMIM 201300.
Generalized epilepsy with febrile seizures plus, type 7 (GEFSP7). Also called: GEFS+, TYPE 7. Identifiers: Orphanet 36387, MedGen C2751778, MONDO:0013470, OMIM 613863.
Inborn genetic diseases. Identifiers: MedGen C0950123, MeSH D030342.
SCN9A-related disorder. Also called: SCN9A-related disorders; SCN9A-related condition.

Allele frequency attached by ClinVar (database versions not stated): TOPMed 0.00002; gnomAD 0.00005 and 0.00007; gnomAD exomes 0.00005 and 0.00010; ExAC 0.00010; 1000 Genomes Project 0.00020; 1000 Genomes Project 30x 0.00031.
gnomAD v4.1: 79 of 1,606,832 alleles (0.0049%); highest among the groups gnomAD compares: South Asian, 0.073%; no homozygotes.

Submissions (5):

Labcorp Genetics (formerly Invitae), Labcorp
Classification: Likely benign for Neuropathy, hereditary sensory and autonomic, type 2A; Generalized epilepsy with febrile seizures plus, type 7. Last evaluated: 2024-02-17. Review status: criteria provided, single submitter. Criteria: Invitae Variant Classification Sherloc (09022015). Collection method: clinical testing. Allele origin: germline.

PreventionGenetics, part of Exact Sciences
Classification: Uncertain significance for SCN9A-related condition. Last evaluated: 2023-03-28. Review status: criteria provided, single submitter. Criteria: ACMG Guidelines, 2015. Collection method: clinical testing. Allele origin: germline.
Comment: The SCN9A c.1135A>G variant is predicted to result in the amino acid substitution p.Met379Val. To our knowledge, this variant has not been reported in the literature. This variant is reported in 0.073% of alleles in individuals of South Asian descent in gnomAD. Although we suspect that this variant may be benign, at this time, the clinical significance of this variant is uncertain due to the absence of conclusive functional and genetic evidence.

Ambry Genetics
Classification: Uncertain significance for Inborn genetic diseases. Last evaluated: 2023-02-06. Review status: criteria provided, single submitter. Criteria: Ambry Variant Classification Scheme 2023. Collection method: clinical testing. Allele origin: germline.

GeneDx
Classification: Uncertain significance. Last evaluated: 2022-11-09. Review status: criteria provided, single submitter. Criteria: GeneDx Variant Classification Process June 2021. Collection method: clinical testing. Allele origin: germline. Affected: yes.
Comment: In silico analysis supports that this missense variant has a deleterious effect on protein structure/function; Has not been previously published as pathogenic or benign to our knowledge

Genomic Research Center, Shahid Beheshti University of Medical Sciences
Classification: Uncertain significance for Generalized epilepsy with febrile seizures plus, type 7. Last evaluated: 2018-08-07. Review status: criteria provided, single submitter. Criteria: ACMG Guidelines, 2015. Collection method: clinical testing. Allele origin: unknown. Affected: yes. Observed: 1 variant allele.